The following is an entry in ClinVar:

NM_018006.5(TRMU):c.9C>G (p.Ala3=)

Gene: TRMU (tRNA mitochondrial 2-thiouridylase; plus strand). Cytogenetic location: 22q13.31.
Variant type: single nucleotide variant.
Coding change: c.9C>G on transcript NM_018006.5 (MANE Select); coding-DNA position 9, C replaced by G.
Protein change: p.Ala3=; no amino-acid change (alanine 3 retained).
Molecular consequence: synonymous variant. On other transcripts: 5 prime UTR variant (3), non-coding transcript variant (2).
Genome position (GRCh38, 1-based): chr22:46,335,773, C>G. VCF-style: chr22-46335773-C-G. GRCh37 (hg19) VCF-style: chr22-46731670-C-G.
Other names: p.A3A:GCC>GCG; p.Ala3=; c.-227C>G (NM_001282782.2); c.-246C>G (NM_001282783.2, NM_001282784.2); c.9C>G, p.Ala3= (NM_001282785.2).
Identifiers: ClinVar variation 137719 (VCV000137719.12), dbSNP rs75417986, ClinGen allele CA291388.

ClinVar aggregate classification (germline): Benign. Review status: criteria provided, multiple submitters, no conflicts (2 of 4 stars). 6 submissions from 6 submitters: Benign (5). 1 of the submissions does not count toward it. Last evaluated 2023-01-29.

Conditions:
Acute infantile liver failure due to synthesis defect of mtDNA-encoded proteins. Also called: TRMU Deficiency; Liver failure acute infantile; LIVER FAILURE, INFANTILE, TRANSIENT. Identifiers: Orphanet 217371, MedGen C3278664, MONDO:0013111, OMIM 613070.

Allele frequency attached by ClinVar (database versions not stated): 1000 Genomes Project 0.03035; gnomAD exomes 0.00593; ExAC 0.01241; gnomAD 0.02729; TOPMed 0.03101; ESP Exome Variant Server 0.01658; 1000 Genomes Project 30x 0.03357.
gnomAD v4.1: 8,154 of 1,552,408 alleles (0.53%); highest among the groups gnomAD compares: African/African-American, 9.3%; 334 homozygotes.

Submissions (6):

Mayo Clinic Laboratories, Mayo Clinic
Classification: Benign. Last evaluated: 2023-01-29. Review status: criteria provided, single submitter. Criteria: ACMG Guidelines, 2015. Collection method: clinical testing. Allele origin: germline. Observed: 27 variant alleles.

Illumina Laboratory Services, Illumina
Classification: Benign for Acute infantile liver failure due to synthesis defect of mtDNA-encoded proteins. Last evaluated: 2018-01-13. Review status: criteria provided, single submitter. Criteria: ICSL Variant Classification Criteria 13 December 2019. Collection method: clinical testing. Allele origin: germline.
Comment: This variant was observed in the ICSL laboratory as part of a predisposition screen in an ostensibly healthy population. It had not been previously curated by ICSL or reported in the Human Gene Mutation Database (HGMD: prior to June 1st, 2018), and was therefore a candidate for classification through an automated scoring system. Utilizing variant allele frequency, disease prevalence and penetrance estimates, and inheritance mode, an automated score was calculated to assess if this variant is too frequent to cause the disease. Based on the score and internal cut-off values, a variant classified as benign is not then subjected to further curation. The score for this variant resulted in a classification of benign for this disease.

Eurofins Ntd Llc (ga)
Classification: Benign. Last evaluated: 2015-07-02. Review status: criteria provided, single submitter. Criteria: EGL Classification Definitions 2015. Collection method: clinical testing. Allele origin: germline. Observed: 1 variant allele, 1 heterozygote.

GeneDx
Classification: Benign. Last evaluated: 2014-02-09. Review status: criteria provided, single submitter. Criteria: GeneDx Variant Classification (06012015). Collection method: clinical testing. Allele origin: germline. Affected: yes.
Comment: This variant is considered likely benign or benign based on one or more of the following criteria: it is a conservative change, it occurs at a poorly conserved position in the protein, it is predicted to be benign by multiple in silico algorithms, and/or has population frequency not consistent with disease.

Breakthrough Genomics
Classification: Benign. Review status: criteria provided, single submitter. Criteria: ACMG Guidelines, 2015. Collection method: not provided. Allele origin: germline. Inheritance: Unknown mechanism. Affected: yes.

Natera, Inc.
Classification: Benign for Transient infantile liver failure. Last evaluated: 2020-09-16. Review status: no assertion criteria provided. Collection method: clinical testing. Allele origin: germline. Not counted in ClinVar's aggregate classification.